The following is an entry in ClinVar:

ClinVar aggregate classification (germline): Uncertain significance. Review status: criteria provided, multiple submitters, no conflicts (2 of 4 stars). 4 submissions from 4 submitters: Uncertain significance (3). 1 of the submissions does not count toward it. Last evaluated 2025-10-29.

Conditions:
Hereditary cancer-predisposing syndrome. Also called: Tumor predisposition; Neoplastic Syndromes, Hereditary; Hereditary Cancer Syndrome; Hereditary neoplastic syndrome. Identifiers: Orphanet 140162, MedGen C0027672, MeSH D009386, MONDO:0015356.
Ataxia-telangiectasia syndrome (AT). Also called: Ataxia telangiectasia (A-T); ATAXIA-TELANGIECTASIA, COMPLEMENTATION GROUP A; ATAXIA-TELANGIECTASIA, FRESNO VARIANT; Ataxia-telangiectasia; LOUIS-BAR SYNDROME; Cerebello-oculocutaneous telangiectasia. Identifiers: Orphanet 100, MedGen C0004135, MONDO:0008840, OMIM 208900.
Familial cancer of breast. Also called: Hereditary breast cancer; BREAST CANCER, FAMILIAL; hereditary breast carcinoma. Identifiers: Orphanet 227535, MedGen C0346153, MONDO:0016419, OMIM 114480. Disease mechanism: loss of function.

Submissions (4):

Ambry Genetics
Classification: Uncertain significance for Hereditary cancer-predisposing syndrome. Last evaluated: 2025-10-29. Review status: criteria provided, single submitter. Criteria: Ambry Variant Classification Scheme 2023. Collection method: clinical testing. Allele origin: germline.
Comment: The c.1948_1950delGAA variant (also known as p.E650del) is located in coding exon 12 of the ATM gene. This variant results from an in-frame GAA deletion at nucleotide positions 1948 to 1950. This results in the in-frame deletion of a glutamic acid at codon 650. This amino acid position is well conserved in available vertebrate species. In addition, this alteration is predicted to be inconclusive by in silico analysis (Choi Y et al. PLoS ONE. 2012; 7(10):e46688). Since supporting evidence is limited at this time, the clinical significance of this alteration remains unclear.

Labcorp Genetics (formerly Invitae), Labcorp
Classification: Uncertain significance for Ataxia-telangiectasia syndrome. Last evaluated: 2024-03-06. Review status: criteria provided, single submitter. Criteria: Invitae Variant Classification Sherloc (09022015). Collection method: clinical testing. Allele origin: germline.
Comment: This variant, c.1948_1950del, results in the deletion of 1 amino acid(s) of the ATM protein (p.Glu650del), but otherwise preserves the integrity of the reading frame. This variant is not present in population databases (gnomAD no frequency). This variant has not been reported in the literature in individuals affected with ATM-related conditions. ClinVar contains an entry for this variant (Variation ID: 555577). Experimental studies and prediction algorithms are not available or were not evaluated, and the functional significance of this variant is currently unknown. In summary, the available evidence is currently insufficient to determine the role of this variant in disease. Therefore, it has been classified as a Variant of Uncertain Significance.

Baylor Genetics
Classification: Uncertain significance for Familial cancer of breast. Last evaluated: 2023-05-08. Review status: criteria provided, single submitter. Criteria: ACMG Guidelines, 2015. Collection method: clinical testing. Allele origin: unknown.

Counsyl
Classification: Uncertain significance for Ataxia-telangiectasia syndrome. Last evaluated: 2017-12-15. Review status: no assertion criteria provided. Collection method: clinical testing. Allele origin: unknown. Not counted in ClinVar's aggregate classification.

NM_000051.4(ATM):c.1945GAA[1] (p.Glu650del)

Gene: ATM (ATM serine/threonine kinase; plus strand). Cytogenetic location: 11q22.3.
Variant type: Microsatellite.
Coding change: c.1945GAA[1] on transcript NM_000051.4 (MANE Select); one copy of the 3-base unit GAA starting at c.1945; the reference has two copies in a row; one copy, 3 bases deleted; also written c.1948_1950del.
Protein change: p.Glu650del; deletes glutamic acid 650.
Molecular consequence: inframe deletion.
Genome position (GRCh38, 1-based): chr11:108,253,863-108,253,865, GAA deleted; deleting any 3 consecutive bases within chr11:108,253,859-108,253,865 gives the same sequence; the position shown is the placement nearest the transcript's 3' end. VCF-style (leftmost placement, unchanged base first): chr11-108253858-TAGA-T. GRCh37 (hg19) VCF-style: chr11-108124585-TAGA-T.
Other names: c.1945GAA[1], p.Glu650del (NM_001351834.2); c.1948_1950del (NM_000051.4); c.1948_1950delGAA (NM_000051.3); short protein forms E650del.
Identifiers: ClinVar variation 555577 (VCV000555577.16), dbSNP rs1555073166, ClinGen allele CA658821431.